The following is an entry in ClinVar:

ClinVar aggregate classification (germline): Pathogenic (1 of 4 stars; one submission).

Submission:

GeneDx
Classification: Pathogenic. Last evaluated: 2013-09-25. Review status: criteria provided, single submitter. Criteria: GeneDx Variant Classification (06012015). Collection method: clinical testing. Allele origin: germline. Affected: yes.
Comment: c.77735delG mutation in the TTN gene has not been reported previously as a disease-causing mutation or as a benign polymorphism, to our knowledge. c.77735delG causes a shift in reading frame starting at codon Glycine 25912, changing it to a Glutamic acid, and creating a premature stop codon at position 27 of the new reading frame, denoted p.Gly25912GlufsX27. This mutation is expected to result in either an abnormal,truncated protein product or loss of protein from this allele through nonsense-mediated mRNA decay. Other truncating TTN variants have been reported in approximately 3% of control alleles (Herman D et al., 2012). However, c.77735delG is located in the A-band region of titin, where the majority of truncating mutations associated with DCM have been reported (Herman D et al., 2012). The variant is found in DCM panel(s).

NM_001267550.2(TTN):c.82658del (p.Gly27553fs)

Genes: TTN-AS1 (TTN antisense RNA 1; plus strand), TTN (titin; minus strand). Cytogenetic location: 2q31.2.
Variant type: Deletion.
Coding change: c.82658del on transcript NM_001267550.2 (MANE Select); coding-DNA position 82658, one base deleted (G; older notation c.82658delG).
Protein change: p.Gly27553fs; shifts the reading frame from glycine 27553.
Molecular consequence: frameshift variant.
Genome position (GRCh38, 1-based): chr2:178,563,474, C deleted on the plus strand (G on the coding strand, the reverse complement: TTN is on the minus strand); the first of 3 consecutive C bases (chr2:178,563,474-178,563,476); deleting any one gives the same sequence. VCF-style (leftmost placement, unchanged base first): chr2-178563473-TC-T. GRCh37 (hg19) VCF-style: chr2-179428200-TC-T.
Other names: c.77735delG (NM_001256850.1); c.77735del, p.Gly25912fs (NM_001256850.1); c.55463del, p.Gly18488fs (NM_003319.4); c.74954del, p.Gly24985fs (NM_133378.4); c.55838del, p.Gly18613fs (NM_133432.3); c.56039del, p.Gly18680fs (NM_133437.4); short protein forms G18613fs, G18680fs, G27553fs, G24985fs, G18488fs, G25912fs.
Identifiers: ClinVar variation 202477 (VCV000202477.1), dbSNP rs794729349, ClinGen allele CA309440.